The following is an entry in ClinVar:

ClinVar aggregate classification (germline): Pathogenic. Review status: criteria provided, single submitter (1 of 4 stars). 2 submissions from 2 submitters: Pathogenic (1). 1 of the submissions does not count toward it. Last evaluated 2024-01-15.

Conditions:
Leber congenital amaurosis 3 (LCA3). Also called: SPATA7-Related Retinitis Pigmentosa. Identifiers: MedGen C1858677, MONDO:0011415, OMIM 604232.
Retinal dystrophy. Also called: Inherited retinal dystrophy. Identifiers: Orphanet 71862, MedGen C0854723, MeSH D058499, MONDO:0019118, HP:0000556.

Submissions (2):

Labcorp Genetics (formerly Invitae), Labcorp
Classification: Pathogenic for Leber congenital amaurosis 3. Last evaluated: 2024-01-15. Review status: criteria provided, single submitter. Criteria: Invitae Variant Classification Sherloc (09022015). Collection method: clinical testing. Allele origin: germline.
Comment: This sequence change creates a premature translational stop signal (p.Ser360*) in the SPATA7 gene. It is expected to result in an absent or disrupted protein product. Loss-of-function variants in SPATA7 are known to be pathogenic (PMID: 19268277, 22334370, 23847139, 26047050, 26261414). This variant is not present in population databases (gnomAD no frequency). This variant has not been reported in the literature in individuals affected with SPATA7-related conditions. Algorithms developed to predict the effect of sequence changes on RNA splicing suggest that this variant may disrupt the consensus splice site. For these reasons, this variant has been classified as Pathogenic.

Institute of Human Genetics, Univ. Regensburg, Univ. Regensburg
Classification: Pathogenic for Retinal dystrophy. Last evaluated: 2022-01-01. Review status: no assertion criteria provided. Criteria: ACMG Guidelines, 2015. Collection method: clinical testing. Allele origin: germline. Affected: yes. Not counted in ClinVar's aggregate classification.

Literature cited by the submitters: PubMed 19268277 (cited by Labcorp Genetics (formerly Invitae), Labcorp); PubMed 22334370 (cited by Labcorp Genetics (formerly Invitae), Labcorp); PubMed 23847139 (cited by Labcorp Genetics (formerly Invitae), Labcorp); PubMed 26047050 (cited by Labcorp Genetics (formerly Invitae), Labcorp); PubMed 26261414 (cited by Labcorp Genetics (formerly Invitae), Labcorp).

NM_018418.5(SPATA7):c.1079_1080del (p.Tyr359_Ser360insTer)

Gene: SPATA7 (spermatogenesis associated 7; plus strand). Cytogenetic location: 14q31.3.
Variant type: Microsatellite.
Coding change: c.1079_1080del on transcript NM_018418.5 (MANE Select); coding-DNA positions 1079 to 1080, 2 bases deleted (CT; older notation c.1079_1080delCT).
Protein change: p.Tyr359_Ser360insTer.
Molecular consequence: nonsense.
Genome position (GRCh38, 1-based): chr14:88,431,222-88,431,223, CT deleted; deleting any 2 consecutive bases within chr14:88,431,220-88,431,223 gives the same sequence; the c. name uses the placement nearest the transcript's 3' end. VCF-style (leftmost placement, unchanged base first): chr14-88431219-ACT-A. GRCh37 (hg19) VCF-style: chr14-88897563-ACT-A.
Other names: c.983_984del, p.Tyr327_Ser328insTer (NM_001040428.4).
Identifiers: ClinVar variation 2093809 (VCV002093809.5), dbSNP rs2504262571, ClinGen allele CA2580613739.
Genomic context (GRCh38, chr14:88,431,219, plus strand): 5'-TTCCTCTTTCTAGGGCAATGTGTCAGTATTCCCTGAAGCCCCCTTCAACTCGTAAAATCT[ACT>A]CTGAGTAAGATCTTTTTTAAGTCTTCGTTTTGCATAGTGGAATCAAGGATTAAGAATCAA-3'